The following is an entry in ClinVar:

NM_001458.5(FLNC):c.1048-5C>T

Gene: FLNC (filamin C; plus strand). Cytogenetic location: 7q32.1.
Variant type: single nucleotide variant.
Coding change: c.1048-5C>T on transcript NM_001458.5 (MANE Select); 5 bases into the intron before coding-DNA position 1048, C replaced by T.
Molecular consequence: intron variant.
Genome position (GRCh38, 1-based): chr7:128,838,262, C>T. VCF-style: chr7-128838262-C-T. GRCh37 (hg19) VCF-style: chr7-128478316-C-T.
Other names: c.1048-5C>T (NM_001127487.2).
Identifiers: ClinVar variation 5039540 (VCV005039540.1).

ClinVar aggregate classification (germline): Uncertain significance (1 of 4 stars; one submission).

Submission:

CeGaT Center for Human Genetics Tuebingen
Classification: Uncertain significance. Last evaluated: 2026-07-01. Review status: criteria provided, single submitter. Criteria: CeGaT Center For Human Genetics Tuebingen Variant Classification Criteria Version 2. Collection method: clinical testing. Allele origin: germline. Affected: yes. Observed: 1 variant allele.
Comment: FLNC: PM2, BP4